The following is an entry in ClinVar:

ClinVar aggregate classification (germline): Uncertain significance (1 of 4 stars; one submission).

gnomAD v4.1: 80 of 1,613,756 alleles (0.005%); highest among the groups gnomAD compares: Middle Eastern, 0.033%; no homozygotes.

Submission:

Labcorp Genetics (formerly Invitae), Labcorp
Classification: Uncertain significance. Last evaluated: 2024-07-02. Review status: criteria provided, single submitter. Criteria: Invitae Variant Classification Sherloc (09022015). Collection method: clinical testing. Allele origin: germline.
Comment: This sequence change replaces arginine, which is basic and polar, with tryptophan, which is neutral and slightly polar, at codon 855 of the DIAPH3 protein (p.Arg855Trp). This variant is present in population databases (rs375470625, gnomAD 0.02%). This variant has not been reported in the literature in individuals affected with DIAPH3-related conditions. An algorithm developed to predict the effect of missense changes on protein structure and function (PolyPhen-2) suggests that this variant is likely to be disruptive. In summary, the available evidence is currently insufficient to determine the role of this variant in disease. Therefore, it has been classified as a Variant of Uncertain Significance.

NM_001042517.2(DIAPH3):c.2563C>T (p.Arg855Trp)

Gene: DIAPH3 (diaphanous related formin 3; minus strand). Cytogenetic location: 13q21.2.
Variant type: single nucleotide variant.
Coding change: c.2563C>T on transcript NM_001042517.2 (MANE Select); coding-DNA position 2563, C replaced by T.
Protein change: p.Arg855Trp; replaces arginine 855 with tryptophan.
Molecular consequence: missense variant.
Genome position (GRCh38, 1-based): chr13:59,879,273, G>A on the plus strand (C>T on the coding strand, the complement: DIAPH3 is on the minus strand). VCF-style: chr13-59879273-G-A. GRCh37 (hg19) VCF-style: chr13-60453407-G-A.
Other names: c.2530C>T, p.Arg844Trp (NM_001258366.2); c.2425C>T, p.Arg809Trp (NM_001258367.2); c.2353C>T, p.Arg785Trp (NM_001258368.2); c.2563C>T, p.Arg855Trp (NM_001258369.2); c.1774C>T, p.Arg592Trp (NM_001258370.2, NM_030932.4); short protein forms R592W, R855W, R844W, R785W, R809W.
Identifiers: ClinVar variation 3730422 (VCV003730422.2).